The following is an entry in ClinVar:

NM_001145252.3(CFP):c.682G>C (p.Glu228Gln)

Gene: CFP (complement factor properdin; minus strand). Cytogenetic location: Xp11.23.
Variant type: single nucleotide variant.
Coding change: c.682G>C on transcript NM_001145252.3 (MANE Select); coding-DNA position 682, G replaced by C.
Protein change: p.Glu228Gln; replaces glutamic acid 228 with glutamine.
Molecular consequence: missense variant.
Genome position (GRCh38, 1-based): chrX:47,627,225, C>G on the plus strand (G>C on the coding strand, the complement: CFP is on the minus strand). VCF-style: chrX-47627225-C-G. GRCh37 (hg19) VCF-style: chrX-47486624-C-G.
Other names: c.682G>C, p.Glu228Gln (NM_002621.2); short protein forms E228Q.
Identifiers: ClinVar variation 3621443 (VCV003621443.2).

ClinVar aggregate classification (germline): Uncertain significance (1 of 4 stars; one submission).

gnomAD v4.1: 5 of 1,210,568 alleles (0.00041%); highest among the groups gnomAD compares: Non-Finnish European, 0.00056%; no homozygotes.

Submission:

Labcorp Genetics (formerly Invitae), Labcorp
Classification: Uncertain significance. Last evaluated: 2024-12-30. Review status: criteria provided, single submitter. Criteria: Invitae Variant Classification Sherloc (09022015). Collection method: clinical testing. Allele origin: germline.
Comment: This sequence change replaces glutamic acid, which is acidic and polar, with glutamine, which is neutral and polar, at codon 228 of the CFP protein (p.Glu228Gln). This variant is not present in population databases (gnomAD no frequency). This variant has not been reported in the literature in individuals affected with CFP-related conditions. Invitae Evidence Modeling of protein sequence and biophysical properties (such as structural, functional, and spatial information, amino acid conservation, physicochemical variation, residue mobility, and thermodynamic stability) indicates that this missense variant is not expected to disrupt CFP protein function with a negative predictive value of 80%. In summary, the available evidence is currently insufficient to determine the role of this variant in disease. Therefore, it has been classified as a Variant of Uncertain Significance.